The following is an entry in ClinVar:

ClinVar aggregate classification (germline): Likely benign (0 of 4 stars; one submission).

Conditions:
TENM4-related disorder. Also called: TENM4-related condition.

Allele frequency attached by ClinVar (database versions not stated): TOPMed 0.00001; gnomAD 0.00004; gnomAD exomes 0.00010; 1000 Genomes Project 30x 0.00016; ExAC 0.00018.
gnomAD v4.1: 141 of 1,614,064 alleles (0.0087%); highest among the groups gnomAD compares: South Asian, 0.15%; no homozygotes.

Submission:

PreventionGenetics, part of Exact Sciences
Classification: Likely benign for TENM4-related condition. Last evaluated: 2019-02-22. Review status: no assertion criteria provided. Collection method: clinical testing. Allele origin: germline.
Comment: This variant is classified as likely benign based on ACMG/AMP sequence variant interpretation guidelines (Richards et al. 2015 PMID: 25741868, with internal and published modifications).

NM_001098816.3(TENM4):c.7692A>C (p.Ser2564=)

Gene: TENM4 (teneurin transmembrane protein 4; minus strand). Cytogenetic location: 11q14.1.
Variant type: single nucleotide variant.
Coding change: c.7692A>C on transcript NM_001098816.3 (MANE Select); coding-DNA position 7692, A replaced by C.
Protein change: p.Ser2564=; no amino-acid change (serine 2564 retained).
Molecular consequence: synonymous variant.
Genome position (GRCh38, 1-based): chr11:78,658,676, T>G on the plus strand (A>C on the coding strand, the complement: TENM4 is on the minus strand). VCF-style: chr11-78658676-T-G. GRCh37 (hg19) VCF-style: chr11-78369721-T-G.
Identifiers: ClinVar variation 3057758 (VCV003057758.2), dbSNP rs759485865, ClinGen allele CA6206172.